The following is an entry in ClinVar:

NM_000498.3(CYP11B2):c.*1178T>C

Genes: CYP11B2 (cytochrome P450 family 11 subfamily B member 2; minus strand), LOC106799834 (CYP11B2 recombination region; plus strand). Cytogenetic location: 8q24.3.
Variant type: single nucleotide variant.
Coding change: c.*1178T>C on transcript NM_000498.3 (MANE Select); 1178 bases downstream of the stop codon, T replaced by C.
Molecular consequence: 3 prime UTR variant.
Genome position (GRCh38, 1-based): chr8:142,910,802, A>G on the plus strand (T>C on the coding strand, the complement: CYP11B2 is on the minus strand). VCF-style: chr8-142910802-A-G. GRCh37 (hg19) VCF-style: chr8-143992218-A-G.
Identifiers: ClinVar variation 362173 (VCV000362173.6), dbSNP rs3802228, ClinGen allele CA10630466.
Genomic context (GRCh38, chr8:142,910,802, plus strand): 5'-GGTGACTGGCCTGAGTCCCTGAGTCCTGGAACTACTGAACACACCTGGAATGATTACCTA[A>G]GTATTTCCCCTTTCATGGGGGAACAAACGCTCTGATCCTCATCAGCTACCAGGAGCTGGC-3'

ClinVar aggregate classification (germline): Benign. Review status: criteria provided, multiple submitters, no conflicts (2 of 4 stars). 4 submissions from 2 submitters: Benign (4). Last evaluated 2018-01-13.

Conditions:
Corticosterone 18-monooxygenase deficiency. Also called: ALDOSTERONE DEFICIENCY DUE TO DEFECT IN STEROID 18-HYDROXYLASE; ALDOSTERONE DEFICIENCY I; CMO I DEFICIENCY; STEROID 18-HYDROXYLASE DEFICIENCY; 18 Hydroxylase deficiency; Aldosterone deficiency due to defect in 18 hydroxylase. Identifiers: Orphanet 427, MedGen C0268293, MONDO:0008751, OMIM 203400. Disease mechanism: loss of function.
Corticosterone methyloxidase type 2 deficiency. Also called: 18-OXIDASE DEFICIENCY; ALDOSTERONE DEFICIENCY DUE TO DEFICIENCY OF STEROID 18-OXIDASE; ALDOSTERONE DEFICIENCY II; CMO II DEFICIENCY; STEROID 18-OXIDASE DEFICIENCY. Identifiers: Orphanet 427, MedGen C3463917, MONDO:0012524, OMIM 610600. Disease mechanism: loss of function.
Glucocorticoid-remediable aldosteronism. Also called: Hyperaldosteronism, familial, type I; ACTH-DEPENDENT HYPERALDOSTERONISM SYNDROME; ALDOSTERONISM, SENSITIVE TO DEXAMETHASONE; FH I; GLUCOCORTICOID-SUPPRESSIBLE HYPERALDOSTERONISM. Identifiers: Orphanet 403, MedGen C3838731, MONDO:0007080, OMIM 103900.

Allele frequency attached by ClinVar (database versions not stated): 1000 Genomes Project 0.59884; 1000 Genomes Project 30x 0.61056; gnomAD 0.62511 and 0.63301; TOPMed 0.63105; gnomAD exomes 0.66667.

Submissions (4):

Illumina Laboratory Services, Illumina
Classification: Benign for Hyperaldosteronism, familial, type I. Last evaluated: 2018-01-13. Review status: criteria provided, single submitter. Criteria: ICSL Variant Classification Criteria 13 December 2019. Collection method: clinical testing. Allele origin: germline.
Comment: This variant was observed in the ICSL laboratory as part of a predisposition screen in an ostensibly healthy population. It had not been previously curated by ICSL or reported in the Human Gene Mutation Database (HGMD: prior to June 1st, 2018), and was therefore a candidate for classification through an automated scoring system. Utilizing variant allele frequency, disease prevalence and penetrance estimates, and inheritance mode, an automated score was calculated to assess if this variant is too frequent to cause the disease. Based on the score and internal cut-off values, a variant classified as benign is not then subjected to further curation. The score for this variant resulted in a classification of benign for this disease.

Illumina Laboratory Services, Illumina
Classification: Benign for Corticosterone 18-monooxygenase deficiency. Last evaluated: 2018-01-13. Review status: criteria provided, single submitter. Criteria: ICSL Variant Classification Criteria 13 December 2019. Collection method: clinical testing. Allele origin: germline.
Comment: the same text as in the submission from Illumina Laboratory Services, Illumina above.

Illumina Laboratory Services, Illumina
Classification: Benign for Corticosterone methyloxidase type 2 deficiency. Last evaluated: 2018-01-13. Review status: criteria provided, single submitter. Criteria: ICSL Variant Classification Criteria 13 December 2019. Collection method: clinical testing. Allele origin: germline.
Comment: the same text as in the submission from Illumina Laboratory Services, Illumina above.

Breakthrough Genomics
Classification: Benign. Review status: criteria provided, single submitter. Criteria: ACMG Guidelines, 2015. Collection method: not provided. Allele origin: germline. Inheritance: Autosomal recessive inheritance. Affected: yes.